The following is an entry in ClinVar:

ClinVar aggregate classification (germline): Uncertain significance (1 of 4 stars; one submission).

Conditions:
Dilated cardiomyopathy 1J (CMD1J). Also called: CARDIOMYOPATHY, DILATED, WITH SENSORINEURAL HEARING LOSS, AUTOSOMAL DOMINANT. Identifiers: Orphanet 217622, MedGen C1854368, MONDO:0011541, OMIM 605362.

Submission:

Labcorp Genetics (formerly Invitae), Labcorp
Classification: Uncertain significance for Dilated cardiomyopathy 1J. Last evaluated: 2024-12-15. Review status: criteria provided, single submitter. Criteria: Invitae Variant Classification Sherloc (09022015). Collection method: clinical testing. Allele origin: germline.
Comment: This variant, c.1307_1309del, results in the deletion of 1 amino acid(s) of the EYA4 protein (p.Asp436del), but otherwise preserves the integrity of the reading frame. This variant is not present in population databases (gnomAD no frequency). This variant has not been reported in the literature in individuals affected with EYA4-related conditions. ClinVar contains an entry for this variant (Variation ID: 839597). Experimental studies and prediction algorithms are not available or were not evaluated, and the functional significance of this variant is currently unknown. In summary, the available evidence is currently insufficient to determine the role of this variant in disease. Therefore, it has been classified as a Variant of Uncertain Significance.

NM_004100.5(EYA4):c.1304ATG[1] (p.Asp436del)

Genes: TARID (TCF21 antisense RNA inducing promoter demethylation; minus strand), EYA4 (EYA transcriptional coactivator and phosphatase 4; plus strand). Cytogenetic location: 6q23.2.
Variant type: Microsatellite.
Coding change: c.1304ATG[1] on transcript NM_004100.5 (MANE Select); one copy of the 3-base unit ATG starting at c.1304; the reference has two copies in a row; one copy, 3 bases deleted.
Protein change: p.Asp436del; deletes aspartic acid 436.
Molecular consequence: inframe deletion.
Genome position (GRCh38, 1-based): chr6:133,512,746-133,512,748, ATG deleted; deleting any 3 consecutive bases within chr6:133,512,742-133,512,748 gives the same sequence; the position shown is the placement nearest the transcript's 3' end. VCF-style (leftmost placement, unchanged base first): chr6-133512741-AGAT-A. GRCh37 (hg19) VCF-style: chr6-133833879-AGAT-A.
Other names: c.1142ATG[1], p.Asp382del (NM_001301012.2); c.1322ATG[1], p.Asp442del (NM_001301013.2); c.1235ATG[1], p.Asp413del (NM_001370458.1, NM_172103.4); c.1160ATG[1], p.Asp388del (NM_001370459.1); c.1304ATG[1], p.Asp436del (NM_172105.4); short protein forms D388del, D442del, D382del, D413del, D436del.
Identifiers: ClinVar variation 839597 (VCV000839597.9), dbSNP rs1409560811, ClinGen allele CA819190730.
Genomic context (GRCh38, chr6:133,512,741, plus strand): 5'-TCATTTAGAAAACAAATAACTTTTCCAATGTTTTTAACAGGAGTGTGATCAAGTTCATAT[AGAT>A]GATGTTTCCTCTGATGATAATGGGCAGGACTTAAGGTAAGCTATGCCTTTCAGTATGCTG-3'